The following is an entry in ClinVar:

ClinVar aggregate classification (germline): Uncertain significance. Review status: criteria provided, multiple submitters, no conflicts (2 of 4 stars). 2 submissions from 2 submitters: Uncertain significance (2). Last evaluated 2025-02-16.

Conditions:
Inborn genetic diseases. Identifiers: MedGen C0950123, MeSH D030342.

Allele frequency attached by ClinVar (database versions not stated): ExAC 0.00001; gnomAD 0.00002; TOPMed 0.00003; gnomAD exomes 0.00005.
gnomAD v4.1: 73 of 1,614,054 alleles (0.0045%); highest among the groups gnomAD compares: Non-Finnish European, 0.006%; no homozygotes.

Submissions (2):

Labcorp Genetics (formerly Invitae), Labcorp
Classification: Uncertain significance. Last evaluated: 2025-02-16. Review status: criteria provided, single submitter. Criteria: Invitae Variant Classification Sherloc (09022015). Collection method: clinical testing. Allele origin: germline.
Comment: This sequence change replaces tyrosine, which is neutral and polar, with histidine, which is basic and polar, at codon 112 of the TNFRSF11B protein (p.Tyr112His). This variant is present in population databases (rs770435026, gnomAD 0.007%). This variant has not been reported in the literature in individuals affected with TNFRSF11B-related conditions. ClinVar contains an entry for this variant (Variation ID: 2171419). Invitae Evidence Modeling of protein sequence and biophysical properties (such as structural, functional, and spatial information, amino acid conservation, physicochemical variation, residue mobility, and thermodynamic stability) indicates that this missense variant is not expected to disrupt TNFRSF11B protein function with a negative predictive value of 80%. In summary, the available evidence is currently insufficient to determine the role of this variant in disease. Therefore, it has been classified as a Variant of Uncertain Significance.

Ambry Genetics
Classification: Uncertain significance for Inborn genetic diseases. Last evaluated: 2024-10-19. Review status: criteria provided, single submitter. Criteria: Ambry Variant Classification Scheme 2023. Collection method: clinical testing. Allele origin: germline.

NM_002546.4(TNFRSF11B):c.334T>C (p.Tyr112His)

Gene: TNFRSF11B (TNF receptor superfamily member 11b; minus strand). Cytogenetic location: 8q24.12.
Variant type: single nucleotide variant.
Coding change: c.334T>C on transcript NM_002546.4 (MANE Select); coding-DNA position 334, T replaced by C.
Protein change: p.Tyr112His; replaces tyrosine 112 with histidine.
Molecular consequence: missense variant.
Genome position (GRCh38, 1-based): chr8:118,932,997, A>G on the plus strand (T>C on the coding strand, the complement: TNFRSF11B is on the minus strand). VCF-style: chr8-118932997-A-G. GRCh37 (hg19) VCF-style: chr8-119945236-A-G.
Other names: c.334T>C (NM_002546.3); short protein forms Y112H.
Identifiers: ClinVar variation 2171419 (VCV002171419.5), dbSNP rs770435026, ClinGen allele CA4854942.